The following is an entry in ClinVar:

ClinVar aggregate classification (germline): Uncertain significance (1 of 4 stars; one submission).

Allele frequency attached by ClinVar (database versions not stated): gnomAD exomes below 0.00001; TOPMed below 0.00001.
gnomAD v4.1: 5 of 1,566,422 alleles (0.00032%); highest among the groups gnomAD compares: Non-Finnish European, 0.00043%; no homozygotes.

Submission:

Labcorp Genetics (formerly Invitae), Labcorp
Classification: Uncertain significance. Last evaluated: 2023-08-24. Review status: criteria provided, single submitter. Criteria: Invitae Variant Classification Sherloc (09022015). Collection method: clinical testing. Allele origin: germline.
Comment: In summary, the available evidence is currently insufficient to determine the role of this variant in disease. Therefore, it has been classified as a Variant of Uncertain Significance. An algorithm developed to predict the effect of missense changes on protein structure and function (PolyPhen-2) suggests that this variant is likely to be tolerated. This variant has not been reported in the literature in individuals affected with EEF2-related conditions. This variant is not present in population databases (gnomAD no frequency). This sequence change replaces valine, which is neutral and non-polar, with isoleucine, which is neutral and non-polar, at codon 704 of the EEF2 protein (p.Val704Ile).

NM_001961.4(EEF2):c.2110G>A (p.Val704Ile)

Genes: EEF2 (eukaryotic translation elongation factor 2; minus strand), LOC130063169 (ATAC-STARR-seq lymphoblastoid active region 13746; plus strand). Cytogenetic location: 19p13.3.
Variant type: single nucleotide variant.
Coding change: c.2110G>A on transcript NM_001961.4 (MANE Select); coding-DNA position 2110, G replaced by A.
Protein change: p.Val704Ile; replaces valine 704 with isoleucine.
Molecular consequence: missense variant.
Genome position (GRCh38, 1-based): chr19:3,977,568, C>T on the plus strand (G>A on the coding strand, the complement: EEF2 is on the minus strand). VCF-style: chr19-3977568-C-T. GRCh37 (hg19) VCF-style: chr19-3977566-C-T.
Other names: short protein forms V704I.
Identifiers: ClinVar variation 2886382 (VCV002886382.3), dbSNP rs1353864041, ClinGen allele CA403390308.